The following is an entry in ClinVar:

ClinVar aggregate classification (germline): Conflicting classifications of pathogenicity. Review status: criteria provided, conflicting classifications (1 of 4 stars). 5 submissions from 5 submitters: Likely pathogenic (3); Uncertain significance (1); Likely benign (1). Last evaluated 2026-02-13.

Conditions:
LEOPARD syndrome 2 (LPRD2). Also called: RAF1-Related LEOPARD Syndrome. Identifiers: Orphanet 500, MedGen C1969056, MONDO:0012691, OMIM 611554.
Noonan syndrome 5 (NS5). Also called: RAF1-Related Noonan Syndrome. Identifiers: Orphanet 648, MedGen C1969057, MONDO:0012690, OMIM 611553. Disease mechanism: gain of function.
RASopathy. Also called: rasopathies; Noonan spectrum disorder. Identifiers: Orphanet 536391, MedGen C5555857, MONDO:0021060.
Cardiovascular phenotype. Identifiers: MedGen CN230736.

Allele frequency attached by ClinVar (database versions not stated): gnomAD exomes below 0.00001; gnomAD 0.00001; ExAC 0.00001; TOPMed 0.00002.
gnomAD v4.1: 3 of 1,614,050 alleles (0.00019%); highest among the groups gnomAD compares: African/African-American, 0.0027%; no homozygotes.

Submissions (5):

GeneDx
Classification: Likely pathogenic. Last evaluated: 2026-02-13. Review status: criteria provided, single submitter. Criteria: GeneDx Variant Classification Process June 2021. Collection method: clinical testing. Allele origin: germline.
Comment: Missense variants in this gene are a common cause of disease and they are underrepresented in the general population; In silico analysis supports that this missense variant has a deleterious effect on protein structure/function; Has not been previously published as pathogenic or benign to our knowledge; This variant is associated with the following publications: (PMID: 29493581)

The Genetics Institute, Rambam Health Care Campus
Classification: Likely benign for Noonan syndrome 5; LEOPARD syndrome 2. Last evaluated: 2026-02-05. Review status: criteria provided, single submitter. Criteria: ACMG Guidelines, 2015. Collection method: clinical testing. Allele origin: maternal.
Comment: The p.(Ser257Trp) variant results in a missense substitution in a conserved region. Missense variants have been reported as disease causing in RAF1 related conditions. Another missense variant is reported in this position and classified as pathogenic (p.Ser257Leu). This variant has not been reported in the literature in individuals affected with RAF1 -related conditions. The p.(Ser257Trp) variant is reported in the Genome Aggregation Database (v.2.1) at a rate of 0.0004%, indicating it is not a common polymorphism. Computational analyses predict that this variant is deleterious (REVEL 0.68). Based on segregation test performed in a family with 3 healthy heterozygous carriers in 3 generations, and inherited from healthy parents to healthy offspring the p.(Ser257Trp) variant is classified likely benign.

Ambry Genetics
Classification: Uncertain significance for Cardiovascular phenotype. Last evaluated: 2024-07-29. Review status: criteria provided, single submitter. Criteria: Ambry Variant Classification Scheme 2023. Collection method: clinical testing. Allele origin: germline.
Comment: The p.S257W variant (also known as c.770C>G), located in coding exon 6 of the RAF1 gene, results from a C to G substitution at nucleotide position 770. The serine at codon 257 is replaced by tryptophan, an amino acid with highly dissimilar properties. This amino acid position is highly conserved in available vertebrate species. In addition, this alteration is predicted to be deleterious by in silico analysis. Since supporting evidence is limited at this time, the clinical significance of this alteration remains unclear.

Labcorp Genetics (formerly Invitae), Labcorp
Classification: Likely pathogenic for RASopathy. Last evaluated: 2024-07-13. Review status: criteria provided, single submitter. Criteria: Invitae Variant Classification Sherloc (09022015). Collection method: clinical testing. Allele origin: germline.
Comment: This sequence change replaces serine, which is neutral and polar, with tryptophan, which is neutral and slightly polar, at codon 257 of the RAF1 protein (p.Ser257Trp). This variant is not present in population databases (gnomAD no frequency). This missense change has been observed in individual(s) with RAF1-related conditions (Invitae). ClinVar contains an entry for this variant (Variation ID: 376514). Advanced modeling of protein sequence and biophysical properties (such as structural, functional, and spatial information, amino acid conservation, physicochemical variation, residue mobility, and thermodynamic stability) performed at Invitae indicates that this missense variant is expected to disrupt RAF1 protein function with a positive predictive value of 95%. This variant disrupts the p.Ser257 amino acid residue in RAF1. Other variant(s) that disrupt this residue have been determined to be pathogenic (PMID: 17603482, 17603483, 20052757, 22389993, 23877478). This suggests that this residue is clinically significant, and that variants that disrupt this residue are likely to be disease-causing. In summary, the currently available evidence indicates that the variant is pathogenic, but additional data are needed to prove that conclusively. Therefore, this variant has been classified as Likely Pathogenic.

Victorian Clinical Genetics Services, Murdoch Childrens Research Institute
Classification: Likely pathogenic for Noonan syndrome 5. Last evaluated: 2023-07-17. Review status: criteria provided, single submitter. Criteria: ACMG Guidelines, 2015. Collection method: clinical testing. Allele origin: germline. Inheritance: Autosomal dominant inheritance. Affected: yes.
Comment: Based on the classification scheme VCGS_Germline_v1.3.4, this variant is classified as Likely pathogenic. Following criteria are met: 0103 - Loss of function and gain of function are known mechanisms of disease in this gene. Gain of function is associated with Noonan (MIM#611553) and LEOPARD syndromes (MIM#2611554), while loss of function is associated with non-HCM-associated variants (PMIDs: 17603483, 17603482). (I) 0107 - This gene is associated with autosomal dominant disease. (I) 0200 - Variant is predicted to result in a missense amino acid change from serine to tryptophan. (I) 0251 - This variant is heterozygous. (I) 0302 - Variant is present in gnomAD (v2 & v3) <0.001 for a dominant condition (3 heterozygotes, 0 homozygotes). (SP) 0501 - Missense variant consistently predicted to be damaging by multiple in silico tools or highly conserved with a major amino acid change. (SP) 0602 - Variant is located in a hotspot region or cluster of pathogenic variants (DECIPHER). (SP) 0701 - Other missense variants comparable to the one identified in this case have very strong previous evidence for pathogenicity. p.(Ser257Leu) and p.(Ser257Pro) have been classified as pathogenic by expert panels in ClinVar, and p.(Ser257Thr) has been classified as likely pathogenic by clinical laboratories in ClinVar. (SP) 0803 - This variant has limited previous evidence of pathogenicity in an unrelated individual. This variant has been classified as likely pathogenic by a clinical laboratory in ClinVar. (SP) 0905 - No published segregation evidence has been identified for this variant. (I) 1007 - No published functional evidence has been identified for this variant. (I) 1208 - Inheritance information for this variant is not currently available in this individual. (I) Legend: (SP) - Supporting pathogenic, (I) - Information, (SB) - Supporting benign

Literature cited by the submitters: PubMed 17603482 (cited by Labcorp Genetics (formerly Invitae), Labcorp and Victorian Clinical Genetics Services, Murdoch Childrens Research Institute); PubMed 17603483 (cited by Labcorp Genetics (formerly Invitae), Labcorp and Victorian Clinical Genetics Services, Murdoch Childrens Research Institute); PubMed 20052757 (cited by Labcorp Genetics (formerly Invitae), Labcorp); PubMed 22389993 (cited by Labcorp Genetics (formerly Invitae), Labcorp); PubMed 23877478 (cited by Labcorp Genetics (formerly Invitae), Labcorp).

NM_002880.4(RAF1):c.770C>G (p.Ser257Trp)

Gene: RAF1 (Raf-1 proto-oncogene, serine/threonine kinase; minus strand). Cytogenetic location: 3p25.2.
Variant type: single nucleotide variant.
Coding change: c.770C>G on transcript NM_002880.4 (MANE Select); coding-DNA position 770, C replaced by G.
Protein change: p.Ser257Trp; replaces serine 257 with tryptophan.
Molecular consequence: missense variant. On other transcripts: non-coding transcript variant (3).
Genome position (GRCh38, 1-based): chr3:12,604,200, G>C on the plus strand (C>G on the coding strand, the complement: RAF1 is on the minus strand). VCF-style: chr3-12604200-G-C. GRCh37 (hg19) VCF-style: chr3-12645699-G-C.
Other names: c.770C>G, p.Ser257Trp (NM_001354689.3, NM_001354690.3); c.527C>G, p.Ser176Trp (NM_001354691.3, NM_001354692.3, NM_001354694.3); c.671C>G, p.Ser224Trp (NM_001354693.3); c.428C>G, p.Ser143Trp (NM_001354695.3); short protein forms S257W, S143W, S176W, S224W.
Identifiers: ClinVar variation 376514 (VCV000376514.17), dbSNP rs80338796, ClinGen allele CA2259699.